The following is an entry in ClinVar:

ClinVar aggregate classification (germline): Uncertain significance (1 of 4 stars; one submission).

Conditions:
Familial hypobetalipoproteinemia 1. Also called: APOB-Related Familial Hypobetalipoproteinemia; Hypobetalipoproteinemia, normotriglyceridemic; Acanthocytosis with hypobetalipoproteinemia. Identifiers: MedGen C4551990, MONDO:0014252, OMIM 615558.
Hypercholesterolemia, autosomal dominant, type B (FHCL2). Also called: APOB-Related Familial Hypercholesterolemia, Autosomal Dominant; Familial hypercholesterolemia 2; Familial Hypercholesterolemia Type B; APOLIPOPROTEIN B-100, FAMILIAL DEFECTIVE; APOLIPOPROTEIN B-100, FAMILIAL LIGAND-DEFECTIVE; HYPERCHOLESTEROLEMIA, FAMILIAL, DUE TO LIGAND-DEFECTIVE APOLIPOPROTEIN B. Identifiers: MedGen C1704417, MONDO:0007751, OMIM 144010.

gnomAD v4.1: 1 of 1,613,988 alleles (0.000062%); highest among the groups gnomAD compares: Middle Eastern, 0.017%; no homozygotes.

Submission:

Labcorp Genetics (formerly Invitae), Labcorp
Classification: Uncertain significance for Familial hypobetalipoproteinemia 1; Hypercholesterolemia, autosomal dominant, type B. Last evaluated: 2025-03-16. Review status: criteria provided, single submitter. Criteria: Invitae Variant Classification Sherloc (09022015). Collection method: clinical testing. Allele origin: germline.
Comment: This sequence change replaces glutamic acid, which is acidic and polar, with aspartic acid, which is acidic and polar, at codon 2332 of the APOB protein (p.Glu2332Asp). This variant is not present in population databases (gnomAD no frequency). This variant has not been reported in the literature in individuals affected with APOB-related conditions. Invitae Evidence Modeling of protein sequence and biophysical properties (such as structural, functional, and spatial information, amino acid conservation, physicochemical variation, residue mobility, and thermodynamic stability) indicates that this missense variant is not expected to disrupt APOB protein function with a negative predictive value of 95%. In summary, the available evidence is currently insufficient to determine the role of this variant in disease. Therefore, it has been classified as a Variant of Uncertain Significance.

NM_000384.3(APOB):c.6996G>T (p.Glu2332Asp)

Gene: APOB (apolipoprotein B; minus strand). Cytogenetic location: 2p24.1.
Variant type: single nucleotide variant.
Coding change: c.6996G>T on transcript NM_000384.3 (MANE Select); coding-DNA position 6996, G replaced by T.
Protein change: p.Glu2332Asp; replaces glutamic acid 2332 with aspartic acid.
Molecular consequence: missense variant.
Genome position (GRCh38, 1-based): chr2:21,009,872, C>A on the plus strand (G>T on the coding strand, the complement: APOB is on the minus strand). VCF-style: chr2-21009872-C-A. GRCh37 (hg19) VCF-style: chr2-21232744-C-A.
Other names: short protein forms E2332D.
Identifiers: ClinVar variation 4788390 (VCV004788390.1).
Genomic context (GRCh38, chr2:21,009,872, plus strand): 5'-TTGGTCTACTTCATACCTCTCGATTAACTCATGGACTTTGGCTCTGAAGGCATTGATTTT[C>A]TCAGCTACTTCAAAATCCCCAATAAGATTTATAACAAAGTGTTTGACATGCTCAAGAATG-3'
Protein context (NP_000375.3, residues 2322-2342): INLIGDFEVA[Glu2332Asp]KINAFRAKVH